The following is an entry in ClinVar:

ClinVar aggregate classification (germline): Uncertain significance. Review status: criteria provided, multiple submitters, no conflicts (2 of 4 stars). 2 submissions from 2 submitters: Uncertain significance (2). Last evaluated 2024-08-05.

Conditions:
Hereditary cancer-predisposing syndrome. Also called: Neoplastic Syndromes, Hereditary; Tumor predisposition; Hereditary Cancer Syndrome; Hereditary neoplastic syndrome. Identifiers: Orphanet 140162, MedGen C0027672, MeSH D009386, MONDO:0015356.

gnomAD v4.1: 1 of 1,613,708 alleles (0.000062%); no homozygotes.

Submissions (2):

Ambry Genetics
Classification: Uncertain significance for Hereditary cancer-predisposing syndrome. Last evaluated: 2024-08-05. Review status: criteria provided, single submitter. Criteria: Ambry Variant Classification Scheme 2023. Collection method: clinical testing. Allele origin: germline.
Comment: The p.R2028S variant (also known as c.6084G>T), located in coding exon 44 of the POLE gene, results from a G to T substitution at nucleotide position 6084. The arginine at codon 2028 is replaced by serine, an amino acid with dissimilar properties. This amino acid position is conserved. In addition, this alteration is predicted to be tolerated by in silico analysis. Based on the available evidence, the clinical significance of this variant remains unclear.

Labcorp Genetics (formerly Invitae), Labcorp
Classification: Uncertain significance. Last evaluated: 2024-04-04. Review status: criteria provided, single submitter. Criteria: Invitae Variant Classification Sherloc (09022015). Collection method: clinical testing. Allele origin: germline.
Comment: This sequence change replaces arginine, which is basic and polar, with serine, which is neutral and polar, at codon 2028 of the POLE protein (p.Arg2028Ser). This variant is not present in population databases (gnomAD no frequency). This variant has not been reported in the literature in individuals affected with POLE-related conditions. An algorithm developed to predict the effect of missense changes on protein structure and function (PolyPhen-2) suggests that this variant is likely to be tolerated. In summary, the available evidence is currently insufficient to determine the role of this variant in disease. Therefore, it has been classified as a Variant of Uncertain Significance.

NM_006231.4(POLE):c.6084G>T (p.Arg2028Ser)

Gene: POLE (DNA polymerase epsilon, catalytic subunit; minus strand). Cytogenetic location: 12q24.33.
Variant type: single nucleotide variant.
Coding change: c.6084G>T on transcript NM_006231.4 (MANE Select); coding-DNA position 6084, G replaced by T.
Protein change: p.Arg2028Ser; replaces arginine 2028 with serine.
Molecular consequence: missense variant.
Genome position (GRCh38, 1-based): chr12:132,632,716, C>A on the plus strand (G>T on the coding strand, the complement: POLE is on the minus strand). VCF-style: chr12-132632716-C-A. GRCh37 (hg19) VCF-style: chr12-133209302-C-A.
Other names: short protein forms R2028S.
Identifiers: ClinVar variation 3422077 (VCV003422077.3).